The following is an entry in ClinVar:

NM_015346.4(ZFYVE26):c.5621+10C>T

Gene: ZFYVE26 (zinc finger FYVE-type containing 26; minus strand). Cytogenetic location: 14q24.1.
Variant type: single nucleotide variant.
Coding change: c.5621+10C>T on transcript NM_015346.4 (MANE Select); 10 bases into the intron after coding-DNA position 5621, C replaced by T.
Molecular consequence: intron variant.
Genome position (GRCh38, 1-based): chr14:67,769,584, G>A on the plus strand (C>T on the coding strand, the complement: ZFYVE26 is on the minus strand). VCF-style: chr14-67769584-G-A. GRCh37 (hg19) VCF-style: chr14-68236301-G-A.
Identifiers: ClinVar variation 696262 (VCV000696262.11), dbSNP rs746828024, ClinGen allele CA7239461.

ClinVar aggregate classification (germline): Likely benign. Review status: criteria provided, single submitter (1 of 4 stars). 2 submissions from 2 submitters: Likely benign (1). 1 of the submissions does not count toward it. Last evaluated 2024-05-20.

Conditions:
Spastic paraplegia. Identifiers: MedGen C0037772, HP:0001258.
ZFYVE26-related disorder. Also called: ZFYVE26-related condition.

Allele frequency attached by ClinVar (database versions not stated): gnomAD 0.00001; gnomAD exomes 0.00002 and 0.00004; TOPMed 0.00002; ExAC 0.00004.

Submissions (2):

Labcorp Genetics (formerly Invitae), Labcorp
Classification: Likely benign for Spastic paraplegia. Last evaluated: 2024-05-20. Review status: criteria provided, single submitter. Criteria: Invitae Variant Classification Sherloc (09022015). Collection method: clinical testing. Allele origin: germline.

PreventionGenetics, part of Exact Sciences
Classification: Likely benign for ZFYVE26-related condition. Last evaluated: 2019-08-09. Review status: no assertion criteria provided. Collection method: clinical testing. Allele origin: germline. Not counted in ClinVar's aggregate classification.
Comment: This variant is classified as likely benign based on ACMG/AMP sequence variant interpretation guidelines (Richards et al. 2015 PMID: 25741868, with internal and published modifications).